The following is an entry in ClinVar:

NM_152753.4(SCUBE3):c.1039T>C (p.Tyr347His)

Gene: SCUBE3 (signal peptide, CUB domain and EGF like domain containing 3; plus strand). Cytogenetic location: 6p21.31.
Variant type: single nucleotide variant.
Coding change: c.1039T>C on transcript NM_152753.4 (MANE Select); coding-DNA position 1039, T replaced by C.
Protein change: p.Tyr347His; replaces tyrosine 347 with histidine.
Molecular consequence: missense variant.
Genome position (GRCh38, 1-based): chr6:35,240,460, T>C. VCF-style: chr6-35240460-T-C. GRCh37 (hg19) VCF-style: chr6-35208237-T-C.
Other names: c.1036T>C, p.Tyr346His (NM_001303136.2); short protein forms Y346H, Y347H.
Identifiers: ClinVar variation 4819017 (VCV004819017.1).

ClinVar aggregate classification (germline): Uncertain significance (1 of 4 stars; one submission).

Conditions:
Short stature, facial dysmorphism, and skeletal anomalies with or without cardiac anomalies 2. Identifiers: MedGen C5543057, MONDO:0030953, OMIM 619184.

Submission:

Victorian Clinical Genetics Services, Murdoch Childrens Research Institute
Classification: Uncertain significance for Short stature, facial dysmorphism, and skeletal anomalies with or without cardiac anomalies 2. Last evaluated: 2026-01-29. Review status: criteria provided, single submitter. Criteria: ACMG Guidelines, 2015. Collection method: clinical testing. Allele origin: germline. Affected: yes.
Comment: This variant is classified as VUS-3B. Evidence in support of pathogenic classification: Variant is absent from gnomAD (v2, v3 and v4); Missense variant predicted to be damaging by in silico tool(s) or highly conserved with a major amino acid change. Additional information: Variant is predicted to result in a missense amino acid change from Tyr to His; This variant is heterozygous; This gene is associated with autosomal recessive disease; This variant has no previous evidence of pathogenicity; No published evidence of segregation with disease has been identified for this variant; No published functional evidence has been identified for this variant; No comparable missense variants have previous evidence for pathogenicity; Variant is located in the annotated calcium-binding EGF domain (DECIPHER); Loss of function is a known mechanism of disease in this gene and is associated with short stature, facial dysmorphism, and skeletal anomalies with or without cardiac anomalies 2 (MIM#619184; PMID: 33308444).

Literature cited by the submitters: PubMed 33308444.